The following is an entry in ClinVar:

ClinVar aggregate classification (germline): Uncertain significance. Review status: criteria provided, multiple submitters, no conflicts (2 of 4 stars). 2 submissions from 2 submitters: Uncertain significance (2). Last evaluated 2024-08-15.

Allele frequency attached by ClinVar (database versions not stated): ExAC 0.00002; gnomAD 0.00003; gnomAD exomes 0.00003; TOPMed 0.00003.
gnomAD v4.1: 58 of 1,613,974 alleles (0.0036%); highest among the groups gnomAD compares: Admixed American, 0.02%; no homozygotes.

Submissions (2):

Labcorp Genetics (formerly Invitae), Labcorp
Classification: Uncertain significance. Last evaluated: 2024-08-15. Review status: criteria provided, single submitter. Criteria: Invitae Variant Classification Sherloc (09022015). Collection method: clinical testing. Allele origin: germline.
Comment: This sequence change replaces valine, which is neutral and non-polar, with isoleucine, which is neutral and non-polar, at codon 281 of the TRAP1 protein (p.Val281Ile). This variant is present in population databases (rs757572551, gnomAD 0.009%). This variant has not been reported in the literature in individuals affected with TRAP1-related conditions. ClinVar contains an entry for this variant (Variation ID: 2190699). Invitae Evidence Modeling of protein sequence and biophysical properties (such as structural, functional, and spatial information, amino acid conservation, physicochemical variation, residue mobility, and thermodynamic stability) indicates that this missense variant is not expected to disrupt TRAP1 protein function with a negative predictive value of 80%. In summary, the available evidence is currently insufficient to determine the role of this variant in disease. Therefore, it has been classified as a Variant of Uncertain Significance.

Ambry Genetics
Classification: Uncertain significance. Last evaluated: 2024-06-02. Review status: criteria provided, single submitter. Criteria: Ambry Variant Classification Scheme 2023. Collection method: clinical testing. Allele origin: germline.

NM_016292.3(TRAP1):c.841G>A (p.Val281Ile)

Gene: TRAP1 (TNF receptor associated protein 1; minus strand). Cytogenetic location: 16p13.3.
Variant type: single nucleotide variant.
Coding change: c.841G>A on transcript NM_016292.3 (MANE Select); coding-DNA position 841, G replaced by A.
Protein change: p.Val281Ile; replaces valine 281 with isoleucine.
Molecular consequence: missense variant.
Genome position (GRCh38, 1-based): chr16:3,675,371, C>T on the plus strand (G>A on the coding strand, the complement: TRAP1 is on the minus strand). VCF-style: chr16-3675371-C-T. GRCh37 (hg19) VCF-style: chr16-3725372-C-T.
Other names: c.682G>A, p.Val228Ile (NM_001272049.2); c.841G>A (NM_016292.2); short protein forms V228I, V281I.
Identifiers: ClinVar variation 2190699 (VCV002190699.5), dbSNP rs757572551, ClinGen allele CA7868451.